The following is an entry in ClinVar:

NM_001042681.2(RERE):c.830+1G>T

Gene: RERE (arginine-glutamic acid dipeptide repeats; minus strand). Cytogenetic location: 1p36.23.
Variant type: single nucleotide variant.
Coding change: c.830+1G>T on transcript NM_001042681.2 (MANE Select); the canonical splice donor site of the intron after coding-DNA position 830, G replaced by T.
Molecular consequence: splice donor variant.
Genome position (GRCh38, 1-based): chr1:8,541,213, C>A on the plus strand (G>T on the coding strand, the complement: RERE is on the minus strand). VCF-style: chr1-8541213-C-A. GRCh37 (hg19) VCF-style: chr1-8601272-C-A.
Other names: c.830+1G>T (NM_012102.4).
Identifiers: ClinVar variation 4082097 (VCV004082097.1).

ClinVar aggregate classification (germline): Likely pathogenic (1 of 4 stars; one submission).

Conditions:
Neurodevelopmental disorder with or without anomalies of the brain, eye, or heart (NEDBEH). Identifiers: Orphanet 494344, MedGen C5567477, MONDO:0014857, OMIM 616975.

Submission:

Daryl Scott Lab, Baylor College of Medicine
Classification: Likely pathogenic for Neurodevelopmental disorder with or without anomalies of the brain, eye, or heart. Last evaluated: 2025-08-25. Review status: criteria provided, single submitter. Criteria: ACMG Guidelines, 2015. Collection method: clinical testing. Allele origin: de novo. Inheritance: Autosomal dominant inheritance. Affected: yes. Observed: 1 variant allele, 1 heterozygote.
Comment: PS2, PM2, PVS1_supporting